The following is an entry in ClinVar:

NM_001330691.3(CEP78):c.738T>G (p.Cys246Trp)

Gene: CEP78 (centrosomal protein 78; plus strand). Cytogenetic location: 9q21.2.
Variant type: single nucleotide variant.
Coding change: c.738T>G on transcript NM_001330691.3 (MANE Select); coding-DNA position 738, T replaced by G.
Protein change: p.Cys246Trp; replaces cysteine 246 with tryptophan.
Molecular consequence: missense variant.
Genome position (GRCh38, 1-based): chr9:78,243,596, T>G. VCF-style: chr9-78243596-T-G. GRCh37 (hg19) VCF-style: chr9-80858512-T-G.
Other names: c.738T>G, p.Cys246Trp (NM_001098802.3, NM_001330693.3, NM_001330694.2 and 4 more transcripts); short protein forms C246W.
Identifiers: ClinVar variation 1472798 (VCV001472798.8), dbSNP rs2118170289, ClinGen allele CA374000669.

ClinVar aggregate classification (germline): Uncertain significance (1 of 4 stars; one submission).

Submission:

Labcorp Genetics (formerly Invitae), Labcorp
Classification: Uncertain significance. Last evaluated: 2021-03-17. Review status: criteria provided, single submitter. Criteria: Invitae Variant Classification Sherloc (09022015). Collection method: clinical testing. Allele origin: germline.
Comment: In summary, the available evidence is currently insufficient to determine the role of this variant in disease. Therefore, it has been classified as a Variant of Uncertain Significance. Algorithms developed to predict the effect of missense changes on protein structure and function are either unavailable or do not agree on the potential impact of this missense change (SIFT: "Deleterious"; PolyPhen-2: "Benign"; Align-GVGD: "Class C0"). This variant has not been reported in the literature in individuals with CEP78-related conditions. This variant is not present in population databases (ExAC no frequency). This sequence change replaces cysteine with tryptophan at codon 246 of the CEP78 protein (p.Cys246Trp). The cysteine residue is weakly conserved and there is a large physicochemical difference between cysteine and tryptophan.